The following is an entry in ClinVar:

NM_182914.3(SYNE2):c.16420T>A (p.Ser5474Thr)

Gene: SYNE2 (spectrin repeat containing nuclear envelope protein 2; plus strand). Cytogenetic location: 14q23.2.
Variant type: single nucleotide variant.
Coding change: c.16420T>A on transcript NM_182914.3 (MANE Select); coding-DNA position 16420, T replaced by A.
Protein change: p.Ser5474Thr; replaces serine 5474 with threonine.
Molecular consequence: missense variant.
Genome position (GRCh38, 1-based): chr14:64,163,522, T>A. VCF-style: chr14-64163522-T-A. GRCh37 (hg19) VCF-style: chr14-64630240-T-A.
Other names: c.16420T>A, p.Ser5474Thr (NM_015180.6); short protein forms S5474T.
Identifiers: ClinVar variation 448627 (VCV000448627.34), dbSNP rs114483901, ClinGen allele CA7223374.

ClinVar aggregate classification (germline): Benign/Likely benign. Review status: criteria provided, multiple submitters, no conflicts (2 of 4 stars). 7 submissions from 7 submitters: Benign (4); Likely benign (3). Last evaluated 2026-04-01.

Conditions:
Emery-Dreifuss muscular dystrophy 5, autosomal dominant (EDMD5). Also called: EMERY-DREIFUSS MUSCULAR DYSTROPHY 5. Identifiers: Orphanet 261, MedGen C2751805, MONDO:0013072, OMIM 612999.
SYNE2-related disorder. Also called: SYNE2-related condition.

Allele frequency attached by ClinVar (database versions not stated): gnomAD exomes 0.00034 and 0.00094; ExAC 0.00118; 1000 Genomes Project 0.00339; gnomAD 0.00368 and 0.00399; 1000 Genomes Project 30x 0.00406; TOPMed 0.00445; ESP Exome Variant Server 0.00454.
gnomAD v4.1: 1,088 of 1,614,174 alleles (0.067%); highest among the groups gnomAD compares: African/African-American, 1.3%; 10 homozygotes.

Submissions (7):

CeGaT Center for Human Genetics Tuebingen
Classification: Likely benign. Last evaluated: 2026-04-01. Review status: criteria provided, single submitter. Criteria: CeGaT Center For Human Genetics Tuebingen Variant Classification Criteria Version 2. Collection method: clinical testing. Allele origin: germline. Affected: yes. Observed: 2 variant alleles.
Comment: SYNE2: BP4, BS1

Labcorp Genetics (formerly Invitae), Labcorp
Classification: Benign for Emery-Dreifuss muscular dystrophy 5, autosomal dominant. Last evaluated: 2026-01-20. Review status: criteria provided, single submitter. Criteria: Invitae Variant Classification Sherloc (09022015). Collection method: clinical testing. Allele origin: germline.

PreventionGenetics, part of Exact Sciences
Classification: Benign for SYNE2-related condition. Last evaluated: 2025-12-09. Review status: criteria provided, single submitter. Criteria: ACMG Guidelines, 2015. Collection method: clinical testing. Allele origin: germline.
Comment: This variant is classified as benign based on ACMG/AMP sequence variant interpretation guidelines (Richards et al. 2015 PMID: 25741868, with internal and published modifications).

Blueprint Genetics
Classification: Likely benign. Last evaluated: 2024-08-06. Review status: criteria provided, single submitter. Criteria: ACMG Guidelines, 2015. Collection method: clinical testing. Allele origin: germline.

Fulgent Genetics
Classification: Likely benign for Emery-Dreifuss muscular dystrophy 5, autosomal dominant. Last evaluated: 2021-09-01. Review status: criteria provided, single submitter. Criteria: ACMG Guidelines, 2015. Collection method: clinical testing. Allele origin: unknown.

Athena Diagnostics
Classification: Benign. Last evaluated: 2016-08-19. Review status: criteria provided, single submitter. Criteria: Athena Diagnostics Criteria. Collection method: clinical testing. Allele origin: germline.

Breakthrough Genomics
Classification: Benign. Review status: criteria provided, single submitter. Criteria: ACMG Guidelines, 2015. Collection method: not provided. Allele origin: germline. Inheritance: Autosomal dominant inheritance. Affected: yes.